The following is an entry in ClinVar:

NM_002439.5(MSH3):c.3212A>C (p.Asn1071Thr)

Gene: MSH3 (mutS homolog 3; plus strand). Cytogenetic location: 5q14.1.
Variant type: single nucleotide variant.
Coding change: c.3212A>C on transcript NM_002439.5 (MANE Select); coding-DNA position 3212, A replaced by C.
Protein change: p.Asn1071Thr; replaces asparagine 1071 with threonine.
Molecular consequence: missense variant.
Genome position (GRCh38, 1-based): chr5:80,873,197, A>C. VCF-style: chr5-80873197-A-C. GRCh37 (hg19) VCF-style: chr5-80169016-A-C.
Other names: short protein forms N1071T.
Identifiers: ClinVar variation 3875001 (VCV003875001.1).
Genomic context (GRCh38, chr5:80,873,197, plus strand): 5'-ATTTTGTCACCTTCCTTTACCAAATAACTAGAGGAATTGCAGCAAGGAGTTATGGATTAA[A>C]TGTGGCTAAACTAGCAGATGTTCCTGGAGAAATTTTGAAGAAAGCAGCTCACAAGTCAAA-3'
Protein context (NP_002430.3, residues 1061-1081): RGIAARSYGL[Asn1071Thr]VAKLADVPGE

ClinVar aggregate classification (germline): Uncertain significance (1 of 4 stars; one submission).

Conditions:
Hereditary cancer-predisposing syndrome. Also called: Tumor predisposition; Neoplastic Syndromes, Hereditary; Hereditary Cancer Syndrome; Hereditary neoplastic syndrome. Identifiers: Orphanet 140162, MedGen C0027672, MeSH D009386, MONDO:0015356.

Submission:

Ambry Genetics
Classification: Uncertain significance for Hereditary cancer-predisposing syndrome. Last evaluated: 2025-02-28. Review status: criteria provided, single submitter. Criteria: Ambry Variant Classification Scheme 2023. Collection method: clinical testing. Allele origin: germline.
Comment: The p.N1071T variant (also known as c.3212A>C), located in coding exon 23 of the MSH3 gene, results from an A to C substitution at nucleotide position 3212. The asparagine at codon 1071 is replaced by threonine, an amino acid with similar properties. This amino acid position is conserved. In addition, the in silico prediction for this alteration is inconclusive. Based on the available evidence, the clinical significance of this variant remains unclear.